The following is an entry in ClinVar:

ClinVar aggregate classification (germline): Uncertain significance (1 of 4 stars; one submission).

Conditions:
Retinoblastoma (RB1). Also called: RETINOBLASTOMA, SOMATIC. Identifiers: Orphanet 790, MedGen C0035335, MeSH D012175, MONDO:0008380, OMIM 180200, HP:0009919. Disease mechanism: loss of function. Inheritance: Both sporadic and heritable forms are tested..

Submission:

Labcorp Genetics (formerly Invitae), Labcorp
Classification: Uncertain significance for Retinoblastoma. Last evaluated: 2025-03-15. Review status: criteria provided, single submitter. Criteria: Invitae Variant Classification Sherloc (09022015). Collection method: clinical testing. Allele origin: germline.
Comment: This sequence change replaces glycine, which is neutral and non-polar, with alanine, which is neutral and non-polar, at codon 423 of the RB1 protein (p.Gly423Ala). This variant is not present in population databases (gnomAD no frequency). This variant has not been reported in the literature in individuals affected with RB1-related conditions. Invitae Evidence Modeling of protein sequence and biophysical properties (such as structural, functional, and spatial information, amino acid conservation, physicochemical variation, residue mobility, and thermodynamic stability) indicates that this missense variant is not expected to disrupt RB1 protein function with a negative predictive value of 80%. In summary, the available evidence is currently insufficient to determine the role of this variant in disease. Therefore, it has been classified as a Variant of Uncertain Significance.

NM_000321.3(RB1):c.1268G>C (p.Gly423Ala)

Gene: RB1 (RB transcriptional corepressor 1; plus strand). Cytogenetic location: 13q14.2.
Variant type: single nucleotide variant.
Coding change: c.1268G>C on transcript NM_000321.3 (MANE Select); coding-DNA position 1268, G replaced by C.
Protein change: p.Gly423Ala; replaces glycine 423 with alanine.
Molecular consequence: missense variant.
Genome position (GRCh38, 1-based): chr13:48,376,970, G>C. VCF-style: chr13-48376970-G-C. GRCh37 (hg19) VCF-style: chr13-48951106-G-C.
Other names: c.1268G>C, p.Gly423Ala (NM_001407165.1, NM_001407166.1); short protein forms G423A.
Identifiers: ClinVar variation 3687564 (VCV003687564.2).